The following is an entry in ClinVar:

NM_001365536.1(SCN9A):c.4965G>A (p.Met1655Ile)

Genes: SCN1A-AS1 (SCN1A and SCN9A antisense RNA 1; plus strand), SCN9A (sodium voltage-gated channel alpha subunit 9; minus strand). Cytogenetic location: 2q24.3.
Variant type: single nucleotide variant.
Coding change: c.4965G>A on transcript NM_001365536.1 (MANE Select); coding-DNA position 4965, G replaced by A.
Protein change: p.Met1655Ile; replaces methionine 1655 with isoleucine.
Molecular consequence: missense variant. On other transcripts: non-coding transcript variant (1).
Genome position (GRCh38, 1-based): chr2:166,199,674, C>T on the plus strand (G>A on the coding strand, the complement: SCN9A is on the minus strand). VCF-style: chr2-166199674-C-T. GRCh37 (hg19) VCF-style: chr2-167056184-C-T.
Other names: c.4932G>A, p.Met1644Ile (NM_002977.4); short protein forms M1644I, M1655I.
Identifiers: ClinVar variation 580049 (VCV000580049.10), dbSNP rs200166620, ClinGen allele CA349055028.

ClinVar aggregate classification (germline): Uncertain significance. Review status: criteria provided, multiple submitters, no conflicts (2 of 4 stars). 2 submissions from 2 submitters: Uncertain significance (2). Last evaluated 2025-07-09.

Conditions:
Neuropathy, hereditary sensory and autonomic, type 2A (HSAN2A). Also called: ACROOSTEOLYSIS, GIACCAI TYPE; ACROOSTEOLYSIS, NEUROGENIC; MORVAN DISEASE; NEUROPATHY, CONGENITAL SENSORY; NEUROPATHY, HEREDITARY SENSORY RADICULAR, AUTOSOMAL RECESSIVE; NEUROPATHY, HEREDITARY SENSORY, TYPE IIA. Identifiers: Orphanet 970, MedGen C2752089, MONDO:0024309, OMIM 201300.
Generalized epilepsy with febrile seizures plus, type 7 (GEFSP7). Also called: GEFS+, TYPE 7. Identifiers: Orphanet 36387, MedGen C2751778, MONDO:0013470, OMIM 613863.

Submissions (2):

ARUP Laboratories, Molecular Genetics and Genomics, ARUP Laboratories
Classification: Uncertain significance. Last evaluated: 2025-07-09. Review status: criteria provided, single submitter. Criteria: ARUP Molecular Germline Variant Investigation Process 2024. Collection method: clinical testing. Allele origin: germline.
Comment: The SCN9A c.4932G>A; p.Met1644Ile variant (rs200166620), to our knowledge, is not reported in the medical literature or gene specific databases. This variant is also absent from the Genome Aggregation Database (v2.1.1), indicating it is not a common polymorphism. Computational analyses predict that this variant is deleterious (REVEL: 0.919). Due to limited information, the clinical significance of this variant is uncertain at this time. However, given the lack of clinical and functional data, the significance of this variant is uncertain at this time.

Labcorp Genetics (formerly Invitae), Labcorp
Classification: Uncertain significance for Neuropathy, hereditary sensory and autonomic, type 2A; Generalized epilepsy with febrile seizures plus, type 7. Last evaluated: 2023-05-14. Review status: criteria provided, single submitter. Criteria: Invitae Variant Classification Sherloc (09022015). Collection method: clinical testing. Allele origin: germline.
Comment: This sequence change replaces methionine, which is neutral and non-polar, with isoleucine, which is neutral and non-polar, at codon 1644 of the SCN9A protein (p.Met1644Ile). This variant is not present in population databases (gnomAD no frequency). In summary, the available evidence is currently insufficient to determine the role of this variant in disease. Therefore, it has been classified as a Variant of Uncertain Significance. Advanced modeling of protein sequence and biophysical properties (such as structural, functional, and spatial information, amino acid conservation, physicochemical variation, residue mobility, and thermodynamic stability) performed at Invitae indicates that this missense variant is not expected to disrupt SCN9A protein function. ClinVar contains an entry for this variant (Variation ID: 580049). This variant has not been reported in the literature in individuals affected with SCN9A-related conditions.